The following is an entry in ClinVar:

NM_025099.6(CTC1):c.*2848A>C

Gene: CTC1 (CST telomere replication complex component 1; minus strand). Cytogenetic location: 17p13.1.
Variant type: single nucleotide variant.
Coding change: c.*2848A>C on transcript NM_025099.6 (MANE Select); 2848 bases downstream of the stop codon, A replaced by C.
Molecular consequence: 3 prime UTR variant. On other transcripts: non-coding transcript variant (1).
Genome position (GRCh38, 1-based): chr17:8,225,332, T>G on the plus strand (A>C on the coding strand, the complement: CTC1 is on the minus strand). VCF-style: chr17-8225332-T-G. GRCh37 (hg19) VCF-style: chr17-8128650-T-G.
Identifiers: ClinVar variation 888637 (VCV000888637.4), dbSNP rs73975813, ClinGen allele CA287526041.
Genomic context (GRCh38, chr17:8,225,332, plus strand): 5'-AACGTGCCTTGTTCATTTGGTTCTGCACAGGGTCCAGCCCAGTGCTTGGCACAAACGTGG[T>G]CTCGGCAGTGCTGCATCCCTGGCTTGACCTGGAGGTAGCAATTCCTTCAAGCCATTTGCT-3'

ClinVar aggregate classification (germline): Benign (1 of 4 stars; one submission).

Conditions:
Dyskeratosis congenita. Identifiers: Orphanet 1775, MedGen C0265965, MONDO:0015780.

Allele frequency attached by ClinVar (database versions not stated): gnomAD 0.00532 and 0.00571; TOPMed 0.00605; 1000 Genomes Project 0.00839; 1000 Genomes Project 30x 0.00843.

Submission:

Illumina Laboratory Services, Illumina
Classification: Benign for Dyskeratosis congenita. Last evaluated: 2018-01-13. Review status: criteria provided, single submitter. Criteria: ICSL Variant Classification Criteria 13 December 2019. Collection method: clinical testing. Allele origin: germline.
Comment: This variant was observed in the ICSL laboratory as part of a predisposition screen in an ostensibly healthy population. It had not been previously curated by ICSL or reported in the Human Gene Mutation Database (HGMD: prior to June 1st, 2018), and was therefore a candidate for classification through an automated scoring system. Utilizing variant allele frequency, disease prevalence and penetrance estimates, and inheritance mode, an automated score was calculated to assess if this variant is too frequent to cause the disease. Based on the score and internal cut-off values, a variant classified as benign is not then subjected to further curation. The score for this variant resulted in a classification of benign for this disease.